The following is an entry in ClinVar:

NM_001083116.3(PRF1):c.602_603delinsAA (p.Pro201Gln)

Gene: PRF1 (perforin 1; minus strand). Cytogenetic location: 10q22.1.
Variant type: Indel.
Coding change: c.602_603delinsAA on transcript NM_001083116.3 (MANE Select); coding-DNA positions 602 to 603, CC replaced by AA.
Protein change: p.Pro201Gln; replaces proline 201 with glutamine.
Molecular consequence: missense variant.
Genome position (GRCh38, 1-based): chr10:70,599,118-70,599,119, GG replaced by TT on the plus strand (CC replaced by AA on the coding strand, the reverse complement: PRF1 is on the minus strand). VCF-style: chr10-70599118-GG-TT. GRCh37 (hg19) VCF-style: chr10-72358874-GG-TT.
Other names: c.602_603delinsAA, p.Pro201Gln (NM_005041.6); short protein forms P201Q.
Identifiers: ClinVar variation 4698275 (VCV004698275.1).
Genomic context (GRCh38, chr10:70,599,118, plus strand): 5'-GGTGCCGTAGTTGGAGATAAGCCTGAGGTAGGCGGGCTGGGTGGAGGCGTTGAAGTGGTG[GG>TT]GCAGGTCCCCGAGGGCCCTCTTGAAGTCAGGGTGCAGCGGGGGAGTGTGTACCACATGGA-3'
Protein context (NP_001076585.1, residues 191-211): PDFKRALGDL[Pro201Gln]HHFNASTQPA

ClinVar aggregate classification (germline): Uncertain significance (1 of 4 stars; one submission).

Conditions:
Familial hemophagocytic lymphohistiocytosis 2 (FHL2). Also called: PRF1-Related Familial Hemophagocytic Lymphohistiocytosis (PRF1-fHLH). Identifiers: Orphanet 540, MedGen C1863727, MONDO:0011337, OMIM 603553.

Submission:

Labcorp Genetics (formerly Invitae), Labcorp
Classification: Uncertain significance for Familial hemophagocytic lymphohistiocytosis 2. Last evaluated: 2026-01-27. Review status: criteria provided, single submitter. Criteria: Invitae Variant Classification Sherloc (09022015). Collection method: clinical testing. Allele origin: germline.
Comment: This sequence change replaces proline, which is neutral and non-polar, with glutamine, which is neutral and polar, at codon 201 of the PRF1 protein (p.Pro201Gln). Information on the frequency of this variant in the gnomAD database is not available, as this variant may be reported differently in the database. This missense change has been observed in individual(s) with PRF1-related conditions (PMID: 32638196). An algorithm developed to predict the effect of missense changes on protein structure and function (PolyPhen-2) suggests that this variant is likely to be disruptive. This variant disrupts the p.Pro201 amino acid residue in PRF1. Other variant(s) that disrupt this residue have been observed in individuals with PRF1-related conditions (PMID: 16278825, 19487666), which suggests that this may be a clinically significant amino acid residue. In summary, the available evidence is currently insufficient to determine the role of this variant in disease. Therefore, it has been classified as a Variant of Uncertain Significance.

Literature cited by the submitters: PubMed 32638196; PubMed 16278825; PubMed 19487666.